The following is an entry in ClinVar:

NM_019098.5(CNGB3):c.826C>T (p.Gln276Ter)

Gene: CNGB3 (cyclic nucleotide gated channel subunit beta 3; minus strand). Cytogenetic location: 8q21.3.
Variant type: single nucleotide variant.
Coding change: c.826C>T on transcript NM_019098.5 (MANE Select); coding-DNA position 826, C replaced by T.
Protein change: p.Gln276Ter; replaces glutamine 276 with a stop codon.
Molecular consequence: nonsense.
Genome position (GRCh38, 1-based): chr8:86,666,951, G>A on the plus strand (C>T on the coding strand, the complement: CNGB3 is on the minus strand). VCF-style: chr8-86666951-G-A. GRCh37 (hg19) VCF-style: chr8-87679179-G-A.
Other names: short protein forms Q276*.
Identifiers: ClinVar variation 1076826 (VCV001076826.7), dbSNP rs2131614848, ClinGen allele CA371449292.
Genomic context (GRCh38, chr8:86,666,951, plus strand): 5'-GTTTCAGTTTCTGCCTTTCCCGAACCCCACTTACTATTATGTCTCCTCCTCTTACAAACT[G>A]GAGTCTGGGCTGGATAAATAGCATATCATAAAGGTAGATGATATCACATATGATGTCCGC-3'

ClinVar aggregate classification (germline): Pathogenic (1 of 4 stars; one submission).

Submission:

Labcorp Genetics (formerly Invitae), Labcorp
Classification: Pathogenic. Last evaluated: 2020-03-03. Review status: criteria provided, single submitter. Criteria: Invitae Variant Classification Sherloc (09022015). Collection method: clinical testing. Allele origin: germline.
Comment: For these reasons, this variant has been classified as Pathogenic. Loss-of-function variants in CNGB3 are known to be pathogenic (PMID: 28795510). This variant has not been reported in the literature in individuals with CNGB3-related conditions. This variant is not present in population databases (ExAC no frequency). This sequence change creates a premature translational stop signal (p.Gln276*) in the CNGB3 gene. It is expected to result in an absent or disrupted protein product.

Literature cited by the submitters: PubMed 28795510.